The following is an entry in ClinVar:

ClinVar aggregate classification (germline): Likely benign. Review status: criteria provided, multiple submitters, no conflicts (2 of 4 stars). 3 submissions from 3 submitters: Likely benign (2). 1 of the submissions does not count toward it. Last evaluated 2023-08-17.

Conditions:
MYLK-related disorder. Also called: MYLK-related condition.
Familial thoracic aortic aneurysm and aortic dissection (TAAD). Also called: Thoracic aortic aneurysms and dissections. Identifiers: Orphanet 91387, MedGen C4707243, MONDO:0019625.
Aortic aneurysm, familial thoracic 7 (AAT7). Also called: AORTIC DISSECTION, FAMILIAL, WITH OR WITHOUT AORTIC ANEURYSM. Identifiers: MedGen C3151077, MONDO:0013418, OMIM 613780.

Allele frequency attached by ClinVar (database versions not stated): gnomAD exomes below 0.00001 and 0.00001; TOPMed below 0.00001; ExAC 0.00001; gnomAD 0.00001.
gnomAD v4.1: 7 of 1,613,926 alleles (0.00043%); highest among the groups gnomAD compares: South Asian, 0.0011%; no homozygotes.

Submissions (3):

Labcorp Genetics (formerly Invitae), Labcorp
Classification: Likely benign for Aortic aneurysm, familial thoracic 7. Last evaluated: 2023-08-17. Review status: criteria provided, single submitter. Criteria: Invitae Variant Classification Sherloc (09022015). Collection method: clinical testing. Allele origin: germline.

Ambry Genetics
Classification: Likely benign for Familial thoracic aortic aneurysm and aortic dissection. Last evaluated: 2017-10-12. Review status: criteria provided, single submitter. Criteria: Ambry Variant Classification Scheme 2023. Collection method: clinical testing. Allele origin: germline.

PreventionGenetics, part of Exact Sciences
Classification: Likely benign for MYLK-related condition. Last evaluated: 2020-04-03. Review status: no assertion criteria provided. Collection method: clinical testing. Allele origin: germline. Not counted in ClinVar's aggregate classification.
Comment: This variant is classified as likely benign based on ACMG/AMP sequence variant interpretation guidelines (Richards et al. 2015 PMID: 25741868, with internal and published modifications).

NM_053025.4(MYLK):c.5673C>T (p.Ala1891=)

Genes: MYLK-AS1 (MYLK antisense RNA 1; plus strand), MYLK (myosin light chain kinase; minus strand). Cytogenetic location: 3q21.1.
Variant type: single nucleotide variant.
Coding change: c.5673C>T on transcript NM_053025.4 (MANE Select); coding-DNA position 5673, C replaced by T.
Protein change: p.Ala1891=; no amino-acid change (alanine 1891 retained).
Molecular consequence: synonymous variant.
Genome position (GRCh38, 1-based): chr3:123,614,177, G>A on the plus strand (C>T on the coding strand, the complement: MYLK is on the minus strand). VCF-style: chr3-123614177-G-A. GRCh37 (hg19) VCF-style: chr3-123333024-G-A.
Other names: c.5145C>T, p.Ala1715= (NM_001321309.2); c.5466C>T, p.Ala1822= (NM_053026.4); c.5520C>T, p.Ala1840= (NM_053027.4); c.5313C>T, p.Ala1771= (NM_053028.4); c.390C>T, p.Ala130= (NM_053031.4); c.393C>T, p.Ala131= (NM_053032.4).
Identifiers: ClinVar variation 520019 (VCV000520019.15), dbSNP rs769361741, ClinGen allele CA073173.